The following is an entry in ClinVar:

ClinVar aggregate classification (germline): Benign. Review status: criteria provided, multiple submitters, no conflicts (2 of 4 stars). 12 submissions from 10 submitters: Benign (12). Last evaluated 2026-02-04.

Conditions:
Reynolds syndrome. Also called: PRIMARY BILIARY CIRRHOSIS, SCLERODERMA, RAYNAUD DISEASE, AND TELANGIECTASIA. Identifiers: Orphanet 779, MedGen C0748397, MONDO:0013276, OMIM 613471.
Pelger-Huët anomaly (PHA). Also called: Pelger-Huet Anomaly. Identifiers: MedGen C0030779, MONDO:0008214, OMIM 169400.
Greenberg dysplasia (GRBGD). Also called: CHONDRODYSTROPHY, HYDROPIC AND PRENATALLY LETHAL TYPE; HEM SKELETAL DYSPLASIA; MOTH-EATEN SKELETAL DYSPLASIA. Identifiers: Orphanet 1426, MedGen C2931048, MONDO:0008974, OMIM 215140.

Allele frequency attached by ClinVar (database versions not stated): ESP Exome Variant Server 0.65916; 1000 Genomes Project 30x 0.66099; 1000 Genomes Project 0.67093; TOPMed 0.67762; gnomAD 0.68333; gnomAD exomes 0.77585.
gnomAD v4.1: 1,237,784 of 1,613,514 alleles (77%); highest among the groups gnomAD compares: East Asian, 91%; 482,348 homozygotes.

Submissions (12):

Labcorp Genetics (formerly Invitae), Labcorp
Classification: Benign. Last evaluated: 2026-02-04. Review status: criteria provided, single submitter. Criteria: Invitae Variant Classification Sherloc (09022015). Collection method: clinical testing. Allele origin: germline.

Blueprint Genetics
Classification: Benign. Last evaluated: 2024-11-26. Review status: criteria provided, single submitter. Criteria: ACMG Guidelines, 2015. Collection method: clinical testing. Allele origin: germline.

Genome-Nilou Lab
Classification: Benign for Reynolds syndrome. Last evaluated: 2021-08-19. Review status: criteria provided, single submitter. Criteria: ACMG Guidelines, 2015. Collection method: clinical testing. Allele origin: germline. Affected: no.

Genome-Nilou Lab
Classification: Benign for Greenberg dysplasia. Last evaluated: 2021-08-19. Review status: criteria provided, single submitter. Criteria: ACMG Guidelines, 2015. Collection method: clinical testing. Allele origin: germline. Affected: no.

Genome-Nilou Lab
Classification: Benign for Pelger-Huët anomaly. Last evaluated: 2021-08-19. Review status: criteria provided, single submitter. Criteria: ACMG Guidelines, 2015. Collection method: clinical testing. Allele origin: germline. Affected: no.

Mayo Clinic Laboratories, Mayo Clinic
Classification: Benign. Last evaluated: 2021-04-07. Review status: criteria provided, single submitter. Criteria: ACMG Guidelines, 2015. Collection method: clinical testing. Allele origin: germline. Observed: 1 variant allele.

GeneDx
Classification: Benign. Last evaluated: 2018-08-09. Review status: criteria provided, single submitter. Criteria: GeneDx Variant Classification Process June 2021. Collection method: clinical testing. Allele origin: germline. Affected: yes.

Athena Diagnostics
Classification: Benign. Last evaluated: 2018-05-07. Review status: criteria provided, single submitter. Criteria: Athena Diagnostics Criteria. Collection method: clinical testing. Allele origin: germline.

Illumina Laboratory Services, Illumina
Classification: Benign for Greenberg dysplasia. Last evaluated: 2018-01-12. Review status: criteria provided, single submitter. Criteria: ICSL Variant Classification Criteria 13 December 2019. Collection method: clinical testing. Allele origin: germline.
Comment: This variant was observed in the ICSL laboratory as part of a predisposition screen in an ostensibly healthy population. It had not been previously curated by ICSL or reported in the Human Gene Mutation Database (HGMD: prior to June 1st, 2018), and was therefore a candidate for classification through an automated scoring system. Utilizing variant allele frequency, disease prevalence and penetrance estimates, and inheritance mode, an automated score was calculated to assess if this variant is too frequent to cause the disease. Based on the score and internal cut-off values, a variant classified as benign is not then subjected to further curation. The score for this variant resulted in a classification of benign for this disease.

Laboratory for Molecular Medicine, Mass General Brigham Personalized Medicine
Classification: Benign. Last evaluated: 2016-03-28. Review status: criteria provided, single submitter. Criteria: LMM Criteria. Collection method: clinical testing. Allele origin: germline.
Comment: Variant identified in a genome or exome case(s) and assessed due to predicted null impact of the variant or pathogenic assertions in the literature or databases. Disclaimer: This variant has not undergone full assessment. The following are preliminary notes: 75% of total chromosomes in ExAC

Breakthrough Genomics
Classification: Benign. Review status: criteria provided, single submitter. Criteria: ACMG Guidelines, 2015. Collection method: not provided. Allele origin: germline. Inheritance: Autosomal recessive inheritance. Affected: yes.

PreventionGenetics, part of Exact Sciences
Classification: Benign. Review status: criteria provided, single submitter. Criteria: ACMG Guidelines, 2015. Collection method: clinical testing. Allele origin: germline.

NM_002296.4(LBR):c.261T>C (p.Pro87=)

Gene: LBR (lamin B receptor; minus strand). Cytogenetic location: 1q42.12.
Variant type: single nucleotide variant.
Coding change: c.261T>C on transcript NM_002296.4 (MANE Select); coding-DNA position 261, T replaced by C.
Protein change: p.Pro87=; no amino-acid change (proline 87 retained).
Molecular consequence: synonymous variant.
Genome position (GRCh38, 1-based): chr1:225,422,182, A>G on the plus strand (T>C on the coding strand, the complement: LBR is on the minus strand). VCF-style: chr1-225422182-A-G. GRCh37 (hg19) VCF-style: chr1-225609884-A-G.
Other names: p.Pro87=; c.261T>C, p.Pro87= (NM_194442.3).
Identifiers: ClinVar variation 258617 (VCV000258617.23), dbSNP rs1056608, ClinGen allele CA1417523.